The following is an entry in ClinVar:

ClinVar aggregate classification (germline): Uncertain significance (1 of 4 stars; one submission).

Conditions:
Pheochromocytoma/paraganglioma syndrome 5. Also called: Paragangliomas 5; SDHA-Related Hereditary Paraganglioma-Pheochromocytoma Syndrome. Identifiers: Orphanet 29072, MedGen C3279992, MONDO:0013602, OMIM 614165.
Mitochondrial complex II deficiency, nuclear type 1. Also called: SUCCINATE CoQ REDUCTASE DEFICIENCY. Identifiers: Orphanet 3208, MedGen C5700310, MONDO:0100294, OMIM 252011.

Submission:

Labcorp Genetics (formerly Invitae), Labcorp
Classification: Uncertain significance for Pheochromocytoma/paraganglioma syndrome 5; Mitochondrial complex II deficiency, nuclear type 1. Last evaluated: 2024-08-01. Review status: criteria provided, single submitter. Criteria: Invitae Variant Classification Sherloc (09022015). Collection method: clinical testing. Allele origin: germline.
Comment: This sequence change replaces alanine, which is neutral and non-polar, with threonine, which is neutral and polar, at codon 652 of the SDHA protein (p.Ala652Thr). This variant is not present in population databases (gnomAD no frequency). This variant has not been reported in the literature in individuals affected with SDHA-related conditions. ClinVar contains an entry for this variant (Variation ID: 838979). Advanced modeling of protein sequence and biophysical properties (such as structural, functional, and spatial information, amino acid conservation, physicochemical variation, residue mobility, and thermodynamic stability) performed at Invitae indicates that this missense variant is not expected to disrupt SDHA protein function with a negative predictive value of 95%. In summary, the available evidence is currently insufficient to determine the role of this variant in disease. Therefore, it has been classified as a Variant of Uncertain Significance.

NM_004168.4(SDHA):c.1954G>A (p.Ala652Thr)

Gene: SDHA (succinate dehydrogenase complex flavoprotein subunit A; plus strand). Cytogenetic location: 5p15.33.
Variant type: single nucleotide variant.
Coding change: c.1954G>A on transcript NM_004168.4 (MANE Select); coding-DNA position 1954, G replaced by A.
Protein change: p.Ala652Thr; replaces alanine 652 with threonine.
Molecular consequence: missense variant.
Genome position (GRCh38, 1-based): chr5:256,379, G>A. VCF-style: chr5-256379-G-A. GRCh37 (hg19) VCF-style: chr5-256494-G-A.
Other names: c.1810G>A, p.Ala604Thr (NM_001294332.2); c.1711G>A, p.Ala571Thr (NM_001330758.2); short protein forms A604T, A652T, A571T.
Identifiers: ClinVar variation 838979 (VCV000838979.10), dbSNP rs1737189728, ClinGen allele CA359002928.